The following is an entry in ClinVar:

NM_003477.3(PDHX):c.*890T>C

Gene: PDHX (pyruvate dehydrogenase complex component X; plus strand). Cytogenetic location: 11p13.
Variant type: single nucleotide variant.
Coding change: c.*890T>C on transcript NM_003477.3 (MANE Select); 890 bases downstream of the stop codon, T replaced by C.
Molecular consequence: 3 prime UTR variant.
Genome position (GRCh38, 1-based): chr11:34,996,062, T>C. VCF-style: chr11-34996062-T-C. GRCh37 (hg19) VCF-style: chr11-35017609-T-C.
Other names: c.*890T>C (NM_001135024.2, NM_001166158.2).
Identifiers: ClinVar variation 304486 (VCV000304486.6), dbSNP rs1049333, ClinGen allele CA10630810.
Genomic context (GRCh38, chr11:34,996,062, plus strand): 5'-ATGTTGTTTCTTAATGCATTTAAATCAGTTTTGTATTGTGCAGTAAAATGTGAGAAAATA[T>C]AAACATTTCTATTGTATTTTAAATGTTAAAACACAAAAGTTCAATAAACCTTGAAGTTGA-3'

ClinVar aggregate classification (germline): Benign. Review status: criteria provided, multiple submitters, no conflicts (2 of 4 stars). 2 submissions from 2 submitters: Benign (2). Last evaluated 2018-01-12.

Conditions:
Pyruvate dehydrogenase E3-binding protein deficiency (PDHXD). Also called: E3-Binding Protein (Component X) Deficiency; LACTIC ACIDEMIA DUE TO DEFECT IN LIPOYL-CONTAINING COMPONENT X OF THE PYRUVATE DEHYDROGENASE COMPLEX; Lacticacidemia due to PDX1 deficiency; PYRUVATE HYDROGENASE E3-BINDING PROTEIN DEFICIENCY. Identifiers: Orphanet 255182, MedGen C1855553, MONDO:0009503, OMIM 245349.

Allele frequency attached by ClinVar (database versions not stated): gnomAD 0.04989 and 0.05022; TOPMed 0.05223; 1000 Genomes Project 0.05631; 1000 Genomes Project 30x 0.05809.

Submissions (2):

Illumina Laboratory Services, Illumina
Classification: Benign for Pyruvate dehydrogenase E3-binding protein deficiency. Last evaluated: 2018-01-12. Review status: criteria provided, single submitter. Criteria: ICSL Variant Classification Criteria 13 December 2019. Collection method: clinical testing. Allele origin: germline.
Comment: This variant was observed in the ICSL laboratory as part of a predisposition screen in an ostensibly healthy population. It had not been previously curated by ICSL or reported in the Human Gene Mutation Database (HGMD: prior to June 1st, 2018), and was therefore a candidate for classification through an automated scoring system. Utilizing variant allele frequency, disease prevalence and penetrance estimates, and inheritance mode, an automated score was calculated to assess if this variant is too frequent to cause the disease. Based on the score and internal cut-off values, a variant classified as benign is not then subjected to further curation. The score for this variant resulted in a classification of benign for this disease.

Breakthrough Genomics
Classification: Benign. Review status: criteria provided, single submitter. Criteria: ACMG Guidelines, 2015. Collection method: not provided. Allele origin: germline. Inheritance: Autosomal recessive inheritance. Affected: yes.